The following is an entry in ClinVar:

NM_000264.5(PTCH1):c.1816A>T (p.Arg606Trp)

Genes: PTCH1 (patched 1; minus strand), LOC100507346 (uncharacterized LOC100507346; plus strand). Cytogenetic location: 9q22.32.
Variant type: single nucleotide variant.
Coding change: c.1816A>T on transcript NM_000264.5 (MANE Select); coding-DNA position 1816, A replaced by T.
Protein change: p.Arg606Trp; replaces arginine 606 with tryptophan.
Molecular consequence: missense variant. On other transcripts: non-coding transcript variant (2).
Genome position (GRCh38, 1-based): chr9:95,469,844, T>A on the plus strand (A>T on the coding strand, the complement: PTCH1 is on the minus strand). VCF-style: chr9-95469844-T-A. GRCh37 (hg19) VCF-style: chr9-98232126-T-A.
Other names: c.1618A>T, p.Arg540Trp (NM_001083602.3); c.1813A>T, p.Arg605Trp (NM_001083603.3); c.1363A>T, p.Arg455Trp (NM_001083604.3, NM_001083605.3, NM_001083606.3 and 1 more transcripts); c.1660A>T, p.Arg554Trp (NM_001354918.2); short protein forms R540W, R554W, R455W, R605W, R606W.
Identifiers: ClinVar variation 2449666 (VCV002449666.4), dbSNP rs1389910090, ClinGen allele CA374116284.

ClinVar aggregate classification (germline): Uncertain significance. Review status: criteria provided, multiple submitters, no conflicts (2 of 4 stars). 2 submissions from 2 submitters: Uncertain significance (2). Last evaluated 2024-05-04.

Conditions:
Hereditary cancer-predisposing syndrome. Also called: Hereditary neoplastic syndrome; Tumor predisposition; Neoplastic Syndromes, Hereditary; Hereditary Cancer Syndrome. Identifiers: Orphanet 140162, MedGen C0027672, MeSH D009386, MONDO:0015356.
Gorlin syndrome. Also called: Nevoid Basal Cell Carcinoma Syndrome; Basal cell nevus syndrome. Identifiers: Orphanet 377, MedGen C0004779, MONDO:0007187.

Submissions (2):

Labcorp Genetics (formerly Invitae), Labcorp
Classification: Uncertain significance for Gorlin syndrome. Last evaluated: 2024-05-04. Review status: criteria provided, single submitter. Criteria: Invitae Variant Classification Sherloc (09022015). Collection method: clinical testing. Allele origin: germline.
Comment: This sequence change replaces arginine, which is basic and polar, with tryptophan, which is neutral and slightly polar, at codon 606 of the PTCH1 protein (p.Arg606Trp). This variant is not present in population databases (gnomAD no frequency). This variant has not been reported in the literature in individuals affected with PTCH1-related conditions. ClinVar contains an entry for this variant (Variation ID: 2449666). Advanced modeling of protein sequence and biophysical properties (such as structural, functional, and spatial information, amino acid conservation, physicochemical variation, residue mobility, and thermodynamic stability) performed at Invitae indicates that this missense variant is not expected to disrupt PTCH1 protein function with a negative predictive value of 95%. In summary, the available evidence is currently insufficient to determine the role of this variant in disease. Therefore, it has been classified as a Variant of Uncertain Significance.

Ambry Genetics
Classification: Uncertain significance for Hereditary cancer-predisposing syndrome. Last evaluated: 2023-01-11. Review status: criteria provided, single submitter. Criteria: Ambry Variant Classification Scheme 2023. Collection method: clinical testing. Allele origin: germline.
Comment: The p.R606W variant (also known as c.1816A>T), located in coding exon 13 of the PTCH1 gene, results from an A to T substitution at nucleotide position 1816. The arginine at codon 606 is replaced by tryptophan, an amino acid with dissimilar properties. This amino acid position is conserved. In addition, this alteration is predicted to be deleterious by in silico analysis. Since supporting evidence is limited at this time, the clinical significance of this alteration remains unclear.